The following is an entry in ClinVar:

ClinVar aggregate classification (germline): Uncertain significance (1 of 4 stars; one submission).

Conditions:
UDPglucose-4-epimerase deficiency. Also called: UDPglucose 4-Epimerase Deficiency Disease; UDP-GALACTOSE-4-EPIMERASE DEFICIENCY; Galactose epimerase deficiency; GALACTOSEMIA III; GALE DEFICIENCY; Epimerase Deficiency Galactosemia. Identifiers: Orphanet 352, Orphanet 79238, MedGen C0751161, MONDO:0009257, OMIM 230350.

Submission:

Labcorp Genetics (formerly Invitae), Labcorp
Classification: Uncertain significance for UDPglucose-4-epimerase deficiency. Last evaluated: 2022-06-04. Review status: criteria provided, single submitter. Criteria: Invitae Variant Classification Sherloc (09022015). Collection method: clinical testing. Allele origin: germline.
Comment: This sequence change falls in intron 6 of the GALE gene. It does not directly change the encoded amino acid sequence of the GALE protein. This variant is not present in population databases (gnomAD no frequency). This variant has not been reported in the literature in individuals affected with GALE-related conditions. Algorithms developed to predict the effect of sequence changes on RNA splicing suggest that this variant may create or strengthen a splice site. In summary, the available evidence is currently insufficient to determine the role of this variant in disease. Therefore, it has been classified as a Variant of Uncertain Significance.

NM_001008216.2(GALE):c.529-22_535dup

Gene: GALE (UDP-galactose-4-epimerase; minus strand). Cytogenetic location: 1p36.11.
Variant type: Duplication.
Coding change: c.529-22_535dup on transcript NM_001008216.2 (MANE Select); 22 bases into the intron before coding-DNA position 529 through coding-DNA position 535, 29 bases duplicated (CCACCTGACCCACATCCCACAGACTTGGA).
Molecular consequence: splice acceptor variant.
Genome position (GRCh38, 1-based): chr1:23,797,141-23,797,169, TCCAAGTCTGTGGGATGTGGGTCAGGTGG duplicated on the plus strand (CCACCTGACCCACATCCCACAGACTTGGA on the coding strand, the reverse complement: GALE is on the minus strand); duplicating any 29 consecutive bases within chr1:23,797,141-23,797,170 gives the same sequence; the c. name uses the placement nearest the transcript's 3' end. VCF-style (leftmost placement, unchanged base first): chr1-23797140-T-TTCCAAGTCTGTGGGATGTGGGTCAGGTGG. GRCh37 (hg19) VCF-style: chr1-24123630-T-TTCCAAGTCTGTGGGATGTGGGTCAGGTGG.
Other names: c.529-22_535dup (NM_000403.4, NM_001127621.2).
Identifiers: ClinVar variation 1977656 (VCV001977656.5), dbSNP rs2521294636, ClinGen allele CA2580061518.